The following is an entry in ClinVar:

ClinVar aggregate classification (germline): Likely pathogenic (1 of 4 stars; one submission).

Submission:

Labcorp Genetics (formerly Invitae), Labcorp
Classification: Likely pathogenic. Last evaluated: 2025-08-09. Review status: criteria provided, single submitter. Criteria: Invitae Variant Classification Sherloc (09022015). Collection method: clinical testing. Allele origin: germline.
Comment: This sequence change affects an acceptor splice site in intron 3 of the DSG1 gene. It is expected to disrupt RNA splicing. Variants that disrupt the donor or acceptor splice site typically lead to a loss of protein function (PMID: 16199547), and loss-of-function variants in DSG1 are known to be pathogenic (PMID: 19018793, 23974871, 27534273, 27632246, 29604126). This variant is not present in population databases (gnomAD no frequency). This variant has not been reported in the literature in individuals affected with DSG1-related conditions. Algorithms developed to predict the effect of sequence changes on RNA splicing suggest that this variant may disrupt the consensus splice site. In summary, the currently available evidence indicates that the variant is pathogenic, but additional data are needed to prove that conclusively. Therefore, this variant has been classified as Likely Pathogenic.

Literature cited by the submitters: PubMed 16199547; PubMed 19018793; PubMed 23974871; PubMed 27534273; PubMed 27632246; PubMed 29604126.

NM_001942.4(DSG1):c.217-1G>A

Gene: DSG1 (desmoglein 1; plus strand). Cytogenetic location: 18q12.1.
Variant type: single nucleotide variant.
Coding change: c.217-1G>A on transcript NM_001942.4 (MANE Select); the canonical splice acceptor site of the intron before coding-DNA position 217, G replaced by A.
Molecular consequence: splice acceptor variant.
Genome position (GRCh38, 1-based): chr18:31,328,188, G>A. VCF-style: chr18-31328188-G-A. GRCh37 (hg19) VCF-style: chr18-28908151-G-A.
Identifiers: ClinVar variation 4724712 (VCV004724712.1).